The following is an entry in ClinVar:

ClinVar aggregate classification (germline): Pathogenic/Likely pathogenic. Review status: criteria provided, multiple submitters, no conflicts (2 of 4 stars). 3 submissions from 3 submitters: Pathogenic (1); Likely pathogenic (2). Last evaluated 2023-04-08.

Conditions:
Autosomal recessive nonsyndromic hearing loss 3. Also called: NEUROSENSORY NONSYNDROMIC RECESSIVE DEAFNESS 3. Identifiers: Orphanet 90636, MedGen C1838263, MONDO:0010860, OMIM 600316.

Allele frequency attached by ClinVar (database versions not stated): gnomAD exomes below 0.00001.
gnomAD v4.1: 1 of 1,613,880 alleles (0.000062%); highest among the groups gnomAD compares: Non-Finnish European, 0.000085%; no homozygotes.

Submissions (3):

Labcorp Genetics (formerly Invitae), Labcorp
Classification: Pathogenic. Last evaluated: 2023-04-08. Review status: criteria provided, single submitter. Criteria: Invitae Variant Classification Sherloc (09022015). Collection method: clinical testing. Allele origin: germline.
Comment: For these reasons, this variant has been classified as Pathogenic. Advanced modeling of protein sequence and biophysical properties (such as structural, functional, and spatial information, amino acid conservation, physicochemical variation, residue mobility, and thermodynamic stability) performed at Invitae indicates that this missense variant is expected to disrupt MYO15A protein function. ClinVar contains an entry for this variant (Variation ID: 1301944). This missense change has been observed in individual(s) with nonsyndromic deafness (PMID: 27635202, 33208113). It has also been observed to segregate with disease in related individuals. This variant is not present in population databases (gnomAD no frequency). This sequence change replaces tryptophan, which is neutral and slightly polar, with arginine, which is basic and polar, at codon 2148 of the MYO15A protein (p.Trp2148Arg).

Kariminejad - Najmabadi Pathology & Genetics Center
Classification: Likely pathogenic for Autosomal recessive nonsyndromic hearing loss 3. Review status: criteria provided, single submitter. Criteria: ACMG Guidelines, 2015. Collection method: clinical testing. Allele origin: germline. Affected: no.

Molecular Diagnosis Center for Deafness
Classification: Likely pathogenic for Autosomal recessive nonsyndromic hearing loss 3. Review status: criteria provided, single submitter. Criteria: ClinGen HL ACMG Specifications v1. Collection method: clinical testing. Allele origin: maternal. Observed: 1 variant allele.

Literature cited by the submitters: PubMed 27635202 (cited by Labcorp Genetics (formerly Invitae), Labcorp); PubMed 33208113 (cited by Labcorp Genetics (formerly Invitae), Labcorp).

NM_016239.4(MYO15A):c.6442T>A (p.Trp2148Arg)

Gene: MYO15A (myosin XVA; plus strand). Cytogenetic location: 17p11.2.
Variant type: single nucleotide variant.
Coding change: c.6442T>A on transcript NM_016239.4 (MANE Select); coding-DNA position 6442, T replaced by A.
Protein change: p.Trp2148Arg; replaces tryptophan 2148 with arginine.
Molecular consequence: missense variant.
Genome position (GRCh38, 1-based): chr17:18,146,040, T>A. VCF-style: chr17-18146040-T-A. GRCh37 (hg19) VCF-style: chr17-18049354-T-A.
Other names: short protein forms W2148R.
Identifiers: ClinVar variation 1301944 (VCV001301944.5), dbSNP rs2142355107, ClinGen allele CA398607099.